The following is an entry in ClinVar:

NM_000245.4(MET):c.2244_2245del (p.Pro749fs)

Gene: MET (MET proto-oncogene, receptor tyrosine kinase; plus strand). Cytogenetic location: 7q31.2.
Variant type: Deletion.
Coding change: c.2244_2245del on transcript NM_000245.4 (MANE Select); coding-DNA positions 2244 to 2245, 2 bases deleted (TC; older notation c.2244_2245delTC).
Protein change: p.Pro749fs; shifts the reading frame from proline 749.
Molecular consequence: frameshift variant.
Genome position (GRCh38, 1-based): chr7:116,758,600-116,758,601, TC deleted. VCF-style (leftmost placement, unchanged base first): chr7-116758599-ATC-A. GRCh37 (hg19) VCF-style: chr7-116398653-ATC-A.
Other names: c.2244_2245del, p.Pro749fs (NM_001127500.3, NM_001324401.3); c.954_955del, p.Pro319fs (NM_001324402.2); short protein forms P749fs, P319fs.
Identifiers: ClinVar variation 4106796 (VCV004106796.1).

ClinVar aggregate classification (germline): Uncertain significance (1 of 4 stars; one submission).

Conditions:
Hereditary cancer-predisposing syndrome. Also called: Tumor predisposition; Neoplastic Syndromes, Hereditary; Hereditary neoplastic syndrome; Hereditary Cancer Syndrome. Identifiers: Orphanet 140162, MedGen C0027672, MeSH D009386, MONDO:0015356.

Submission:

Ambry Genetics
Classification: Uncertain significance for Hereditary cancer-predisposing syndrome. Last evaluated: 2025-09-02. Review status: criteria provided, single submitter. Criteria: Ambry Variant Classification Scheme 2023. Collection method: clinical testing. Allele origin: germline.
Comment: The c.2244_2245delTC variant, located in coding exon 8 of the MET gene, results from a deletion of two nucleotides at nucleotide positions 2244 to 2245, causing a translational frameshift with a predicted alternate stop codon (p.P749Nfs*6). This alteration is expected to result in protein truncation or nonsense-mediated mRNA decay. However, loss of function of MET has not been established as a mechanism of disease. Based on the available evidence, the clinical significance of this alteration remains unclear.